The following is an entry in ClinVar:

NM_004006.2:c.(357+1_358-1)_(2949+1_2950-1)del

Gene: DMD (dystrophin; minus strand).
Variant type: Deletion.
Identifiers: ClinVar variation 3895204 (VCV003895204.1).

ClinVar aggregate classification (germline): Likely pathogenic (1 of 4 stars; one submission).

Conditions:
Cardiovascular phenotype. Identifiers: MedGen CN230736.

Submission:

Molecular Diagnostic Laboratory for Inherited Cardiovascular Disease, Montreal Heart Institute
Classification: Likely pathogenic for Cardiovascular phenotype. Last evaluated: 2024-02-19. Review status: criteria provided, single submitter. Criteria: ACMG Guidelines, 2015. Collection method: clinical testing. Allele origin: germline. Affected: yes.
Comment: PVS1_strong, PM2